The following is an entry in ClinVar:

NM_000400.4(ERCC2):c.1193C>T (p.Thr398Ile)

Gene: ERCC2 (ERCC excision repair 2, TFIIH core complex helicase subunit; minus strand). Cytogenetic location: 19q13.32.
Variant type: single nucleotide variant.
Coding change: c.1193C>T on transcript NM_000400.4 (MANE Select); coding-DNA position 1193, C replaced by T.
Protein change: p.Thr398Ile; replaces threonine 398 with isoleucine.
Molecular consequence: missense variant.
Genome position (GRCh38, 1-based): chr19:45,361,568, G>A on the plus strand (C>T on the coding strand, the complement: ERCC2 is on the minus strand). VCF-style: chr19-45361568-G-A. GRCh37 (hg19) VCF-style: chr19-45864826-G-A.
Other names: c.1121C>T, p.Thr374Ile (NM_001130867.2); c.1193C>T (NM_000400.3); short protein forms T398I, T374I.
Identifiers: ClinVar variation 1408797 (VCV001408797.6), dbSNP rs756881748, ClinGen allele CA9513478.

ClinVar aggregate classification (germline): Uncertain significance. Review status: criteria provided, multiple submitters, no conflicts (2 of 4 stars). 2 submissions from 2 submitters: Uncertain significance (2). Last evaluated 2026-02-28.

Allele frequency attached by ClinVar (database versions not stated): gnomAD exomes 0.00001 and 0.00002; TOPMed 0.00001; ExAC 0.00003; gnomAD 0.00001.
gnomAD v4.1: 26 of 1,613,952 alleles (0.0016%); highest among the groups gnomAD compares: Non-Finnish European, 0.0022%; no homozygotes.

Submissions (2):

GeneDx
Classification: Uncertain significance. Last evaluated: 2026-02-28. Review status: criteria provided, single submitter. Criteria: GeneDx Variant Classification Process June 2021. Collection method: clinical testing. Allele origin: germline.
Comment: Not observed at significant frequency in large population cohorts (gnomAD); In silico analysis suggests that this missense variant does not alter protein structure/function; Observed in individuals with cancer, but familial segregation information and specific clinical information were not included (PMID: 29684080, 26689913); This variant is associated with the following publications: (PMID: 26689913, 29684080)

Labcorp Genetics (formerly Invitae), Labcorp
Classification: Uncertain significance. Last evaluated: 2021-08-30. Review status: criteria provided, single submitter. Criteria: Invitae Variant Classification Sherloc (09022015). Collection method: clinical testing. Allele origin: germline.
Comment: This sequence change replaces threonine with isoleucine at codon 398 of the ERCC2 protein (p.Thr398Ile). The threonine residue is moderately conserved and there is a moderate physicochemical difference between threonine and isoleucine. This variant is present in population databases (rs756881748, ExAC 0.006%). This variant has not been reported in the literature in individuals affected with ERCC2-related conditions. Algorithms developed to predict the effect of missense changes on protein structure and function are either unavailable or do not agree on the potential impact of this missense change (SIFT: "Deleterious"; PolyPhen-2: "Benign"; Align-GVGD: "Class C0"). In summary, the available evidence is currently insufficient to determine the role of this variant in disease. Therefore, it has been classified as a Variant of Uncertain Significance.